The following is an entry in ClinVar:

ClinVar aggregate classification (germline): Pathogenic (1 of 4 stars; one submission).

Conditions:
Duchenne muscular dystrophy (DMD). Also called: Duchenne Muscular Dystrophy (DMD); MUSCULAR DYSTROPHY, PSEUDOHYPERTROPHIC PROGRESSIVE, DUCHENNE TYPE. Identifiers: Orphanet 98896, MedGen C0013264, MONDO:0010679, OMIM 310200.

Submission:

Labcorp Genetics (formerly Invitae), Labcorp
Classification: Pathogenic for Duchenne muscular dystrophy. Last evaluated: 2022-08-01. Review status: criteria provided, single submitter. Criteria: Invitae Variant Classification Sherloc (09022015). Collection method: clinical testing. Allele origin: germline.
Comment: This variant is a gross deletion of the genomic region encompassing exon(s) 30 of the DMD gene. This variant would be expected to be in-frame, preserving the integrity of the reading frame. A similar copy number variant has been observed in individuals with Duchene or Becker muscular dystrophies (PMID: 16770791, 17259292, 19084397). For these reasons, this variant has been classified as Pathogenic.

Literature cited by the submitters: PubMed 16770791; PubMed 17259292; PubMed 19084397.

NC_000023.10:g.(?_32429849)_(32430050_?)del

Gene: DMD (dystrophin; minus strand). Cytogenetic location: Xp21.1.
Variant type: Deletion.
Identifiers: ClinVar variation 1455769 (VCV001455769.8).